The following is an entry in ClinVar:

NM_000138.5(FBN1):c.4088A>T (p.Asp1363Val)

Gene: FBN1 (fibrillin 1; minus strand). Cytogenetic location: 15q21.1.
Variant type: single nucleotide variant.
Coding change: c.4088A>T on transcript NM_000138.5 (MANE Select); coding-DNA position 4088, A replaced by T.
Protein change: p.Asp1363Val; replaces aspartic acid 1363 with valine.
Molecular consequence: missense variant.
Genome position (GRCh38, 1-based): chr15:48,474,377, T>A on the plus strand (A>T on the coding strand, the complement: FBN1 is on the minus strand). VCF-style: chr15-48474377-T-A. GRCh37 (hg19) VCF-style: chr15-48766574-T-A.
Other names: short protein forms D1363V.
Identifiers: ClinVar variation 935239 (VCV000935239.9), dbSNP rs2043402890, ClinGen allele CA392320380.

ClinVar aggregate classification (germline): Uncertain significance (1 of 4 stars; one submission).

Conditions:
Familial thoracic aortic aneurysm and aortic dissection (TAAD). Also called: Thoracic aortic aneurysms and dissections. Identifiers: Orphanet 91387, MedGen C4707243, MONDO:0019625.
Marfan syndrome (MFS). Also called: Marfan syndrome, classic; Marfan syndrome type 1; Marfan's syndrome; FBN1-Related Marfan Syndrome; MARFAN SYNDROME, TYPE I. Identifiers: Orphanet 284963, Orphanet 558, MedGen C0024796, MONDO:0007947, OMIM 154700.

Allele frequency attached by ClinVar (database versions not stated): gnomAD exomes below 0.00001.
gnomAD v4.1: 1 of 1,614,120 alleles (0.000062%); highest among the groups gnomAD compares: South Asian, 0.0011%; no homozygotes.

Submission:

Labcorp Genetics (formerly Invitae), Labcorp
Classification: Uncertain significance for Marfan syndrome; Familial thoracic aortic aneurysm and aortic dissection. Last evaluated: 2019-08-22. Review status: criteria provided, single submitter. Criteria: Invitae Variant Classification Sherloc (09022015). Collection method: clinical testing. Allele origin: germline.
Comment: In summary, the available evidence is currently insufficient to determine the role of this variant in disease. Therefore, it has been classified as a Variant of Uncertain Significance. Algorithms developed to predict the effect of sequence changes on RNA splicing suggest that this variant may disrupt the consensus splice site, but this prediction has not been confirmed by published transcriptional studies. Algorithms developed to predict the effect of missense changes on protein structure and function (SIFT, PolyPhen-2, Align-GVGD) all suggest that this variant is likely to be disruptive, but these predictions have not been confirmed by published functional studies and their clinical significance is uncertain. This sequence change replaces aspartic acid with valine at codon 1363 of the FBN1 protein (p.Asp1363Val). The aspartic acid residue is highly conserved and there is a large physicochemical difference between aspartic acid and valine. This variant is not present in population databases (ExAC no frequency).